The following is an entry in ClinVar:

NC_000022.10:g.(?_29999621)_(30094588_?)del

Gene: NF2 (NF2, moesin-ezrin-radixin like (MERLIN) tumor suppressor; plus strand). Cytogenetic location: 22q12.2.
Variant type: Deletion.
Identifiers: ClinVar variation 3907153 (VCV003907153.1).

ClinVar aggregate classification (germline): Pathogenic (1 of 4 stars; one submission).

Conditions:
Neurofibromatosis, type 2 (SWNV). Also called: NF2-Related Schwannomatosis; BILATERAL ACOUSTIC NEUROFIBROMATOSIS; SCHWANNOMATOSIS, VESTIBULAR. Identifiers: Orphanet 637, MedGen C0027832, MONDO:0007039, OMIM 101000. Disease mechanism: loss of function.

Submission:

Women's Health and Genetics/Laboratory Corporation of America, LabCorp
Classification: Pathogenic for Neurofibromatosis, type 2. Last evaluated: 2025-06-13. Review status: criteria provided, single submitter. Criteria: LabCorp Variant Classification Summary - May 2015. Collection method: clinical testing. Allele origin: germline.
Comment: Variant summary: The variant involves the deletion of exons 1-16 in the NF2 gene. A presumed nomenclature of c.(?_-367)_(*3797_?)del has been designated for the purposes of this classification. This deletion includes the entire coding sequence of the gene. As the exact proximal and distal breakpoints are unknown, it may extend beyond the annotated region of the gene to include other flanking genes. The variant was absent in 21694 control chromosomes (gnomAD, structural variants dataset). Deletion of the entire NF2 gene has been observed in multiple individuals affected with Neurofibromatosis, type 2 (e.g. Selvanathan_2010). These data indicate that the variant is very likely to be associated with disease. The following publication has been ascertained in the context of this evaluation (PMID: 19968670). ClinVar contains an entry for this variant (Variation ID: 1458942). Based on the evidence outlined above, the variant was classified as pathogenic.

Literature cited by the submitters: PubMed 19968670.